The following is an entry in ClinVar:

NM_022100.3(MRPS14):c.49G>T (p.Val17Phe)

Gene: MRPS14 (mitochondrial ribosomal protein S14; minus strand). Cytogenetic location: 1q25.1.
Variant type: single nucleotide variant.
Coding change: c.49G>T on transcript NM_022100.3 (MANE Select); coding-DNA position 49, G replaced by T.
Protein change: p.Val17Phe; replaces valine 17 with phenylalanine.
Molecular consequence: missense variant. On other transcripts: non-coding transcript variant (1).
Genome position (GRCh38, 1-based): chr1:175,018,573, C>A on the plus strand (G>T on the coding strand, the complement: MRPS14 is on the minus strand). VCF-style: chr1-175018573-C-A. GRCh37 (hg19) VCF-style: chr1-174987709-C-A.
Other names: c.49G>T (NM_022100.2); short protein forms V17F.
Identifiers: ClinVar variation 2755344 (VCV002755344.5), dbSNP rs199541415, ClinGen allele CA1253699.

ClinVar aggregate classification (germline): Uncertain significance. Review status: criteria provided, multiple submitters, no conflicts (2 of 4 stars). 2 submissions from 2 submitters: Uncertain significance (2). Last evaluated 2026-01-13.

Allele frequency attached by ClinVar (database versions not stated): ExAC 0.00004; gnomAD 0.00010; TOPMed 0.00011; 1000 Genomes Project 30x 0.00016; 1000 Genomes Project 0.00020.

Submissions (3):

Labcorp Genetics (formerly Invitae), Labcorp
Classification: Uncertain significance. Last evaluated: 2026-01-13. Review status: criteria provided, single submitter. Criteria: Invitae Variant Classification Sherloc (09022015). Collection method: clinical testing. Allele origin: germline.
Comment: This sequence change replaces valine, which is neutral and non-polar, with phenylalanine, which is neutral and non-polar, at codon 17 of the MRPS14 protein (p.Val17Phe). This variant is present in population databases (rs199541415, gnomAD 0.06%), and has an allele count higher than expected for a pathogenic variant. This variant has not been reported in the literature in individuals affected with MRPS14-related conditions. ClinVar contains an entry for this variant (Variation ID: 2755344). An algorithm developed to predict the effect of missense changes on protein structure and function (PolyPhen-2) suggests that this variant is likely to be tolerated. In summary, the available evidence is currently insufficient to determine the role of this variant in disease. Therefore, it has been classified as a Variant of Uncertain Significance.

Ambry Genetics
Classification: Uncertain significance. Last evaluated: 2025-08-24. Review status: criteria provided, single submitter. Criteria: Ambry Variant Classification Scheme 2023. Collection method: clinical testing. Allele origin: germline.

Dr. Peter K. Rogan Lab, Western University
No classification provided (evidence only). Condition: Familial cancer of breast. Review status: no classification provided. Collection method: in vitro. Allele origin: not applicable. Functional consequence: retained intron. Not counted in ClinVar's aggregate classification.